The following is an entry in ClinVar:

NM_001378452.1(ITPR1):c.3646C>T (p.Arg1216Trp)

Gene: ITPR1 (inositol 1,4,5-trisphosphate receptor type 1; plus strand). Cytogenetic location: 3p26.1.
Variant type: single nucleotide variant.
Coding change: c.3646C>T on transcript NM_001378452.1 (MANE Select); coding-DNA position 3646, C replaced by T.
Protein change: p.Arg1216Trp; replaces arginine 1216 with tryptophan.
Molecular consequence: missense variant.
Genome position (GRCh38, 1-based): chr3:4,685,150, C>T. VCF-style: chr3-4685150-C-T. GRCh37 (hg19) VCF-style: chr3-4726834-C-T.
Other names: c.3619C>T, p.Arg1207Trp (NM_001099952.4); c.3601C>T, p.Arg1201Trp (NM_001168272.2); c.3574C>T, p.Arg1192Trp (NM_002222.7); short protein forms R1192W, R1201W, R1207W, R1216W.
Identifiers: ClinVar variation 2635788 (VCV002635788.2), dbSNP rs2094369923, ClinGen allele CA351651617.

ClinVar aggregate classification (germline): Uncertain significance. Review status: criteria provided, multiple submitters, no conflicts (2 of 4 stars). 2 submissions from 2 submitters: Uncertain significance (2). Last evaluated 2025-12-30.

Conditions:
ITPR1-related disorder. Also called: ITPR1-related condition.

Allele frequency attached by ClinVar (database versions not stated): gnomAD exomes below 0.00001.
gnomAD v4.1: 3 of 1,609,622 alleles (0.00019%); highest among the groups gnomAD compares: African/African-American, 0.0013%; no homozygotes.

Submissions (2):

Women's Health and Genetics/Laboratory Corporation of America, LabCorp
Classification: Uncertain significance. Last evaluated: 2025-12-30. Review status: criteria provided, single submitter. Criteria: LabCorp Variant Classification Summary - May 2015. Collection method: clinical testing. Allele origin: germline.
Comment: Variant summary: ITPR1 c.3574C>T (p.Arg1192Trp) results in a non-conservative amino acid change in the encoded protein sequence. Algorithms developed to predict the effect of missense changes on protein structure and function all suggest that this variant is likely to be disruptive. The variant was absent in 242044 control chromosomes. c.3574C>T has been observed in two individuals from one family affected with Spinocerebellar Ataxia (Baviera-Muoz_2022). These data indicate that the variant may be associated with disease. To our knowledge, no experimental evidence demonstrating an impact on protein function has been reported. The following publication have been ascertained in the context of this evaluation (PMID: 36530930). ClinVar contains an entry for this variant (Variation ID: 2635788). Based on the evidence outlined above, the variant was classified as VUS-possibly pathogenic.

PreventionGenetics, part of Exact Sciences
Classification: Uncertain significance for ITPR1-related condition. Last evaluated: 2023-05-02. Review status: criteria provided, single submitter. Criteria: ACMG Guidelines, 2015. Collection method: clinical testing. Allele origin: germline.
Comment: The ITPR1 c.3574C>T variant is predicted to result in the amino acid substitution p.Arg1192Trp. To our knowledge, this variant has not been reported in the literature or in a large population database, indicating this variant is rare. At this time, the clinical significance of this variant is uncertain due to the absence of conclusive functional and genetic evidence.

Literature cited by the submitters: PubMed 36530930 (cited by Women's Health and Genetics/Laboratory Corporation of America, LabCorp).